The following is an entry in ClinVar:

NM_007294.4(BRCA1):c.5279T>C (p.Ile1760Thr)

Gene: BRCA1 (BRCA1 DNA repair associated; minus strand). Cytogenetic location: 17q21.31.
Variant type: single nucleotide variant.
Coding change: c.5279T>C on transcript NM_007294.4 (MANE Select); coding-DNA position 5279, T replaced by C.
Protein change: p.Ile1760Thr; replaces isoleucine 1760 with threonine.
Molecular consequence: missense variant. On other transcripts: non-coding transcript variant (1).
Genome position (GRCh38, 1-based): chr17:43,051,116, A>G on the plus strand (T>C on the coding strand, the complement: BRCA1 is on the minus strand). VCF-style: chr17-43051116-A-G. GRCh37 (hg19) VCF-style: chr17-41203133-A-G.
Other names: c.5066T>C, p.Ile1689Thr (NM_001407571.1, NM_001407894.1, NM_001407895.1 and 12 more transcripts); c.5345T>C, p.Ile1782Thr (NM_001407581.1, NM_001407582.1); c.5342T>C, p.Ile1781Thr (NM_001407583.1, NM_001407585.1, NM_001407587.1 and 1 more transcripts); c.5339T>C, p.Ile1780Thr (NM_001407590.1, NM_001407591.1); c.5279T>C, p.Ile1760Thr (NM_001407593.1, NM_001407594.1, NM_001407596.1 and 6 more transcripts); c.5276T>C, p.Ile1759Thr (NM_001407620.1, NM_001407621.1, NM_001407622.1 and 17 more transcripts); c.5273T>C, p.Ile1758Thr (NM_001407627.1, NM_001407628.1, NM_001407639.1 and 14 more transcripts); c.5270T>C, p.Ile1757Thr (NM_001407644.1, NM_001407645.1); and 72 more; short protein forms I1760T, I1713T, I1781T, I656T, I1464T, I1670T, I1671T, I1712T.
Identifiers: ClinVar variation 865262 (VCV000865262.3), dbSNP rs2051214306, ClinGen allele CA10590987.

Conditions:
Breast-ovarian cancer, familial, susceptibility to, 1 (BROVCA1). Also called: BRCA1 Hereditary Breast and Ovarian Cancer; OVARIAN CANCER, SUSCEPTIBILITY TO. Identifiers: Orphanet 145, MedGen C2676676, MONDO:0011450, OMIM 604370. Disease mechanism: loss of function.

Submission:

Brotman Baty Institute, University of Washington
No classification provided (evidence only). Condition: Breast-ovarian cancer, familial 1. Review status: no classification provided. Collection method: in vitro. Allele origin: not applicable. Functional consequence: functionally_abnormal.
ClinVar note: "not provided" was previously submitted as the classification for the variant. However, the classification appeared to be based only on an observation of functional data so it was converted to no classification on 2025-07-30.